The following is an entry in ClinVar:

NM_000384.3(APOB):c.5202A>C (p.Glu1734Asp)

Gene: APOB (apolipoprotein B; minus strand). Cytogenetic location: 2p24.1.
Variant type: single nucleotide variant.
Coding change: c.5202A>C on transcript NM_000384.3 (MANE Select); coding-DNA position 5202, A replaced by C.
Protein change: p.Glu1734Asp; replaces glutamic acid 1734 with aspartic acid.
Molecular consequence: missense variant.
Genome position (GRCh38, 1-based): chr2:21,011,666, T>G on the plus strand (A>C on the coding strand, the complement: APOB is on the minus strand). VCF-style: chr2-21011666-T-G. GRCh37 (hg19) VCF-style: chr2-21234538-T-G.
Other names: short protein forms E1734D.
Identifiers: ClinVar variation 4125352 (VCV004125352.1).
Genomic context (GRCh38, chr2:21,011,666, plus strand): 5'-TGTGTGGTCAAATTTCATTTCAGCATATGAGCCCATCATGTCATTTGAGAGCTTAAGTCC[T>G]TCTTGACTGACCTTGAAGTTGAAAATGTTTTTGCTGTCGACACCCAGAATCATGGCCTGA-3'
Protein context (NP_000375.3, residues 1724-1744): KNIFNFKVSQ[Glu1734Asp]GLKLSNDMMG

ClinVar aggregate classification (germline): Uncertain significance (1 of 4 stars; one submission).

Conditions:
Cardiovascular phenotype. Identifiers: MedGen CN230736.

gnomAD v4.1: 3 of 1,614,108 alleles (0.00019%); highest among the groups gnomAD compares: African/African-American, 0.004%; no homozygotes.

Submission:

Ambry Genetics
Classification: Uncertain significance for Cardiovascular phenotype. Last evaluated: 2025-08-28. Review status: criteria provided, single submitter. Criteria: Ambry Variant Classification Scheme 2023. Collection method: clinical testing. Allele origin: germline.
Comment: The p.E1734D variant (also known as c.5202A>C), located in coding exon 26 of the APOB gene, results from an A to C substitution at nucleotide position 5202. The glutamic acid at codon 1734 is replaced by aspartic acid, an amino acid with highly similar properties. This amino acid position is conserved. In addition, this alteration is predicted to be tolerated by in silico analysis. Based on the available evidence, the clinical significance of this variant remains unclear.